The following is an entry in ClinVar:

NM_032043.3(BRIP1):c.2863A>T (p.Asn955Tyr)

Gene: BRIP1 (BRCA1 interacting DNA helicase 1; minus strand). Cytogenetic location: 17q23.2.
Variant type: single nucleotide variant.
Coding change: c.2863A>T on transcript NM_032043.3 (MANE Select); coding-DNA position 2863, A replaced by T.
Protein change: p.Asn955Tyr; replaces asparagine 955 with tyrosine.
Molecular consequence: missense variant.
Genome position (GRCh38, 1-based): chr17:61,685,878, T>A on the plus strand (A>T on the coding strand, the complement: BRIP1 is on the minus strand). VCF-style: chr17-61685878-T-A. GRCh37 (hg19) VCF-style: chr17-59763239-T-A.
Other names: short protein forms N955Y.
Identifiers: ClinVar variation 3768033 (VCV003768033.1).
Genomic context (GRCh38, chr17:61,685,878, plus strand): 5'-GGGAAGAACTTTTCATACTTTTCTCCTTTCTGGAGATAATGCTACTTGGTAGAGGTGAAT[T>A]TTTGGTAATAATTTTAGGACACTGTAGTTCCTGGACACATATCTTTGCTTCATCTTCCAC-3'
Protein context (NP_114432.2, residues 945-965): ELQCPKIITK[Asn955Tyr]SPLPSSIISR

ClinVar aggregate classification (germline): Uncertain significance (1 of 4 stars; one submission).

Submission:

Women's Health and Genetics/Laboratory Corporation of America, LabCorp
Classification: Uncertain significance. Last evaluated: 2024-12-16. Review status: criteria provided, single submitter. Criteria: LabCorp Variant Classification Summary - May 2015. Collection method: clinical testing. Allele origin: germline.
Comment: Variant summary: BRIP1 c.2863A>T (p.Asn955Tyr) results in a non-conservative amino acid change in the encoded protein sequence. Four of five in-silico tools predict a benign effect of the variant on protein function. The variant was absent in 250742 control chromosomes. The available data on variant occurrences in the general population are insufficient to allow any conclusion about variant significance. To our knowledge, no occurrence of c.2863A>T in individuals affected with Hereditary Breast And Ovarian Cancer Syndrome and no experimental evidence demonstrating its impact on protein function have been reported. No submitters have cited clinical-significance assessments for this variant to ClinVar. Based on the evidence outlined above, the variant was classified as uncertain significance.